The following is an entry in ClinVar:

ClinVar aggregate classification (germline): Pathogenic (1 of 4 stars; one submission).

Conditions:
Cardiovascular phenotype. Identifiers: MedGen CN230736.

Submission:

Ambry Genetics
Classification: Pathogenic for Cardiovascular phenotype. Last evaluated: 2024-01-09. Review status: criteria provided, single submitter. Criteria: Ambry Variant Classification Scheme 2023. Collection method: clinical testing. Allele origin: germline.
Comment: The p.E9* pathogenic mutation (also known as c.25G>T), located in coding exon 1 of the TCAP gene, results from a G to T substitution at nucleotide position 25. This changes the amino acid from a glutamic acid to a stop codon within coding exon 1. This alteration is not expected to trigger nonsense-mediated mRNA decay, and only impacts the last 159AA of the protein. However, premature stop codons are typically deleterious in nature and a significant portion of the protein is affected (Ambry internal data). This variant is considered to be rare based on population cohorts in the Genome Aggregation Database (gnomAD). Based on the supporting evidence, this alteration is interpreted as a disease-causing mutation.

NM_003673.4(TCAP):c.25G>T (p.Glu9Ter)

Gene: TCAP (titin-cap; plus strand). Cytogenetic location: 17q12.
Variant type: single nucleotide variant.
Coding change: c.25G>T on transcript NM_003673.4 (MANE Select); coding-DNA position 25, G replaced by T.
Protein change: p.Glu9Ter; replaces glutamic acid 9 with a stop codon.
Molecular consequence: nonsense.
Genome position (GRCh38, 1-based): chr17:39,665,384, G>T. VCF-style: chr17-39665384-G-T. GRCh37 (hg19) VCF-style: chr17-37821637-G-T.
Other names: short protein forms E9*.
Identifiers: ClinVar variation 3223539 (VCV003223539.1), dbSNP rs1219700070, ClinGen allele CA399302747.